The following is an entry in ClinVar:

NM_004004.6(GJB2):c.134del (p.Gly45fs)

Gene: GJB2 (gap junction protein beta 2; minus strand). Cytogenetic location: 13q12.11.
Variant type: Deletion.
Coding change: c.134del on transcript NM_004004.6 (MANE Select); coding-DNA position 134, one base deleted (G; older notation c.134delG).
Protein change: p.Gly45fs; shifts the reading frame from glycine 45.
Molecular consequence: frameshift variant.
Genome position (GRCh38, 1-based): chr13:20,189,448, C deleted on the plus strand (G on the coding strand, the reverse complement: GJB2 is on the minus strand); the first of 4 consecutive C bases (chr13:20,189,448-20,189,451); deleting any one gives the same sequence. VCF-style (leftmost placement, unchanged base first): chr13-20189447-TC-T. GRCh37 (hg19) VCF-style: chr13-20763586-TC-T.
Other names: c.134delG (NM_004004.5); c.134del (NM_004004.5); short protein forms G45fs.
Identifiers: ClinVar variation 371728 (VCV000371728.4), dbSNP rs1057517491, ClinGen allele CA16041594.

ClinVar aggregate classification (germline): Likely pathogenic. Review status: criteria provided, single submitter (1 of 4 stars). 3 submissions from 2 submitters: Likely pathogenic (1). 2 of the submissions do not count toward it. Last evaluated 2025-08-28.

Conditions:
Autosomal recessive nonsyndromic hearing loss 1A (DFNB1A). Also called: Connexin 26 deafness; Deafness nonsyndromic, Connexin 26 linked; GJB6-Related DFNB 1 Nonsyndromic Hearing Loss and Deafness; Deafness, autosomal recessive 1A; Nonsyndromic Hearing Loss and Deafness, DFNB1; GJB2-Related Autosomal Recessive Nonsyndromic Hearing Loss. Identifiers: Orphanet 90636, MedGen C2673759, MONDO:0009076, OMIM 220290.
Autosomal dominant nonsyndromic hearing loss 3A. Identifiers: Orphanet 90635, MedGen C2675750, MONDO:0011103, OMIM 601544.

Submissions (3):

Natera, Inc.
Classification: Likely pathogenic for Autosomal recessive deafness type 1A. Last evaluated: 2025-08-28. Review status: criteria provided, single submitter. Criteria: Natera Variant Classification Schema (03/2026). Collection method: clinical testing. Allele origin: germline.
Comment: The c.134del variant in GJB2 is a frameshift variant predicted to shift the reading frame beginning at codon 45 and leads to a stop codon 37 codons downstream. This variant is expected to result in nonsense mediated decay, truncation, or a dysfunctional protein product. This variant is rare in the general population with a frequency below the threshold expected for the associated phenotype(s). Given the available evidence, this variant is classified as Likely Pathogenic.

Counsyl
Classification: Likely pathogenic for Autosomal recessive nonsyndromic hearing loss 1A. Last evaluated: 2016-04-27. Review status: no assertion criteria provided. Collection method: clinical testing. Allele origin: unknown. Not counted in ClinVar's aggregate classification.

Counsyl
Classification: Likely pathogenic for Autosomal dominant nonsyndromic hearing loss 3A. Last evaluated: 2016-04-27. Review status: no assertion criteria provided. Collection method: clinical testing. Allele origin: unknown. Not counted in ClinVar's aggregate classification.